The following is an entry in ClinVar:

NM_000642.3(AGL):c.4422del (p.Ala1475fs)

Gene: AGL (amylo-alpha-1,6-glucosidase and 4-alpha-glucanotransferase; plus strand). Cytogenetic location: 1p21.2.
Variant type: Deletion.
Coding change: c.4422del on transcript NM_000642.3 (MANE Select); coding-DNA position 4422, one base deleted (T; older notation c.4422delT).
Protein change: p.Ala1475fs; shifts the reading frame from alanine 1475.
Molecular consequence: frameshift variant.
Genome position (GRCh38, 1-based): chr1:99,916,672, T deleted. VCF-style (leftmost placement, unchanged base first): chr1-99916671-CT-C. GRCh37 (hg19) VCF-style: chr1-100382227-CT-C.
Other names: c.4422delT (NM_000642.2); c.4422delT, p.Ala1475Glnfs (NM_000028.3, NM_000643.3, NM_000644.3 and 1 more transcripts); c.4374delT, p.Ala1459Glnfs (NM_000646.3); c.4401delT, p.Ala1468Glnfs (NM_001425326.1); c.4221delT, p.Ala1408Glnfs (NM_001425327.1); c.4218delT, p.Ala1407Glnfs (NM_001425328.1); c.4083delT, p.Ala1362Glnfs (NM_001425329.1); c.4044delT, p.Ala1349Glnfs (NM_001425332.1); short protein forms A1459fs, A1475fs.
Identifiers: ClinVar variation 929046 (VCV000929046.12), dbSNP rs1286364615, ClinGen allele CA419314818.

ClinVar aggregate classification (germline): Pathogenic/Likely pathogenic. Review status: criteria provided, multiple submitters, no conflicts (2 of 4 stars). 5 submissions from 5 submitters: Pathogenic (3); Likely pathogenic (2). Last evaluated 2025-01-14.

Conditions:
Glycogen storage disease type III (GSD3). Also called: Cori disease; FORBES DISEASE. Identifiers: Orphanet 366, MedGen C0017922, MONDO:0009291, OMIM 232400.

Allele frequency attached by ClinVar (database versions not stated): gnomAD exomes below 0.00001 and 0.00001; gnomAD 0.00002; TOPMed 0.00003.

Submissions (5):

Labcorp Genetics (formerly Invitae), Labcorp
Classification: Pathogenic for Glycogen storage disease type III. Last evaluated: 2025-01-14. Review status: criteria provided, single submitter. Criteria: Invitae Variant Classification Sherloc (09022015). Collection method: clinical testing. Allele origin: germline.
Comment: This sequence change creates a premature translational stop signal (p.Ala1475Glnfs*4) in the AGL gene. It is expected to result in an absent or disrupted protein product. Loss-of-function variants in AGL are known to be pathogenic (PMID: 19299494). This variant is present in population databases (no rsID available, gnomAD 0.004%). This premature translational stop signal has been observed in individual(s) with clinical features of glycogen storage disease type III (PMID: 20648714). ClinVar contains an entry for this variant (Variation ID: 929046). For these reasons, this variant has been classified as Pathogenic.

Natera, Inc.
Classification: Likely pathogenic for Glycogen storage disease type III. Last evaluated: 2024-11-27. Review status: criteria provided, single submitter. Criteria: Natera Variant Classification Schema (03/2026). Collection method: clinical testing. Allele origin: germline.
Comment: The c.4422delT variant in AGL is a frameshift variant predicted to shift the reading frame beginning at codon 1475 and leads to a stop codon 4 codons downstream. This variant is expected to result in nonsense mediated decay, truncation, or a dysfunctional protein product. This variant is rare in the general population with a frequency below the threshold expected for the associated phenotype(s). This variant has been observed in one or more individuals affected with the associated recessive disease, as either homozygous or compound heterozygous with a second variant (PMID: 31263214). Given the available evidence, this variant is classified as Likely Pathogenic.

Baylor Genetics
Classification: Pathogenic for Glycogen storage disease type III. Last evaluated: 2023-01-28. Review status: criteria provided, single submitter. Criteria: ACMG Guidelines, 2015. Collection method: clinical testing. Allele origin: unknown.

Genome-Nilou Lab
Classification: Pathogenic for Glycogen storage disease type III. Last evaluated: 2021-07-15. Review status: criteria provided, single submitter. Criteria: ACMG Guidelines, 2015. Collection method: clinical testing. Allele origin: germline. Affected: no.

Women's Health and Genetics/Laboratory Corporation of America, LabCorp
Classification: Likely pathogenic for Glycogen storage disease type III. Last evaluated: 2019-09-16. Review status: criteria provided, single submitter. Criteria: LabCorp Variant Classification Summary - May 2015. Collection method: clinical testing. Allele origin: germline.
Comment: Variant summary: AGL c.4422delT (p.Ala1475GlnfsX4) results in a premature termination codon, predicted to cause a truncation of the encoded protein or absence of the protein due to nonsense mediated decay, which are commonly known mechanisms for disease. A truncation downstream of this position has been classified as pathogenic by our laboratory. The variant allele was found at a frequency of 4e-06 in 250766 control chromosomes (gnomAD). c.4422delT has been reported in the literature in an individual affected with Glycogen Storage Disease Type III (Goldstein_2010). To our knowledge, no experimental evidence demonstrating an impact on protein function has been reported. No clinical diagnostic laboratories have submitted clinical-significance assessments for this variant to ClinVar after 2014. Based on the evidence outlined above, the variant was classified as likely pathogenic.

Literature cited by the submitters: PubMed 19299494 (cited by Labcorp Genetics (formerly Invitae), Labcorp); PubMed 20648714 (cited by Labcorp Genetics (formerly Invitae), Labcorp and Women's Health and Genetics/Laboratory Corporation of America, LabCorp); PubMed 31263214 (cited by Natera, Inc.).